The following is an entry in ClinVar:

ClinVar aggregate classification (germline): Benign/Likely benign. Review status: criteria provided, multiple submitters, no conflicts (2 of 4 stars). 4 submissions from 4 submitters: Benign (1); Likely benign (3). Last evaluated 2025-05-01.

Allele frequency attached by ClinVar (database versions not stated): 1000 Genomes Project 30x 0.00141; 1000 Genomes Project 0.00160; TOPMed 0.00482; ESP Exome Variant Server 0.00546; gnomAD 0.00662.
gnomAD v4.1: 12,284 of 1,610,648 alleles (0.76%); highest among the groups gnomAD compares: Non-Finnish European, 0.93%; 68 homozygotes.

Submissions (4):

CeGaT Center for Human Genetics Tuebingen
Classification: Likely benign. Last evaluated: 2025-05-01. Review status: criteria provided, single submitter. Criteria: CeGaT Center For Human Genetics Tuebingen Variant Classification Criteria Version 2. Collection method: clinical testing. Allele origin: germline. Affected: yes. Observed: 7 variant alleles.
Comment: SERPINF2: BP4, BP7, BS2

Labcorp Genetics (formerly Invitae), Labcorp
Classification: Benign. Last evaluated: 2019-12-31. Review status: criteria provided, single submitter. Criteria: Invitae Variant Classification Sherloc (09022015). Collection method: clinical testing. Allele origin: germline.

Breakthrough Genomics
Classification: Likely benign. Review status: criteria provided, single submitter. Criteria: ACMG Guidelines, 2015. Collection method: not provided. Allele origin: germline. Inheritance: Autosomal recessive inheritance. Affected: yes.

PreventionGenetics, part of Exact Sciences
Classification: Likely benign. Review status: criteria provided, single submitter. Criteria: ACMG Guidelines, 2015. Collection method: clinical testing. Allele origin: germline.

NM_000934.4(SERPINF2):c.1107C>T (p.Ser369=)

Gene: SERPINF2 (serpin family F member 2; plus strand). Cytogenetic location: 17p13.3.
Variant type: single nucleotide variant.
Coding change: c.1107C>T on transcript NM_000934.4 (MANE Select); coding-DNA position 1107, C replaced by T.
Protein change: p.Ser369=; no amino-acid change (serine 369 retained).
Molecular consequence: synonymous variant.
Genome position (GRCh38, 1-based): chr17:1,754,165, C>T. VCF-style: chr17-1754165-C-T. GRCh37 (hg19) VCF-style: chr17-1657459-C-T.
Other names: c.1107C>T, p.Ser369= (NM_001165920.1); c.915C>T, p.Ser305= (NM_001165921.2).
Identifiers: ClinVar variation 256833 (VCV000256833.48), dbSNP rs148395057, ClinGen allele CA8274388.